The following is an entry in ClinVar:

NM_032043.3(BRIP1):c.466G>C (p.Val156Leu)

Gene: BRIP1 (BRCA1 interacting DNA helicase 1; minus strand). Cytogenetic location: 17q23.2.
Variant type: single nucleotide variant.
Coding change: c.466G>C on transcript NM_032043.3 (MANE Select); coding-DNA position 466, G replaced by C.
Protein change: p.Val156Leu; replaces valine 156 with leucine.
Molecular consequence: missense variant.
Genome position (GRCh38, 1-based): chr17:61,849,170, C>G on the plus strand (G>C on the coding strand, the complement: BRIP1 is on the minus strand). VCF-style: chr17-61849170-C-G. GRCh37 (hg19) VCF-style: chr17-59926531-C-G.
Other names: short protein forms V156L.
Identifiers: ClinVar variation 1742310 (VCV001742310.3), dbSNP rs876659373, ClinGen allele CA400484430.
Genomic context (GRCh38, chr17:61,849,170, plus strand): 5'-GCCAATAAACTCTGTTTACCTGCTGTGTAGTTTCTAAGGGTCGAATTCTTTTCTTCTCTA[C>G]TTGAAAATCATCATTTTCATCTCTGTATATGGATGCCTGTTTCTTAGCAGATAACTTTGC-3'
Protein context (NP_114432.2, residues 146-166): IYRDENDDFQ[Val156Leu]EKKRIRPLET

ClinVar aggregate classification (germline): Uncertain significance. Review status: criteria provided, multiple submitters, no conflicts (2 of 4 stars). 2 submissions from 2 submitters: Uncertain significance (2). Last evaluated 2024-12-18.

Conditions:
Hereditary cancer-predisposing syndrome. Also called: Hereditary Cancer Syndrome; Hereditary neoplastic syndrome; Neoplastic Syndromes, Hereditary; Tumor predisposition. Identifiers: Orphanet 140162, MedGen C0027672, MeSH D009386, MONDO:0015356.

Submissions (2):

GeneDx
Classification: Uncertain significance. Last evaluated: 2024-12-18. Review status: criteria provided, single submitter. Criteria: GeneDx Variant Classification Process June 2021. Collection method: clinical testing. Allele origin: germline. Affected: yes.
Comment: Not observed at significant frequency in large population cohorts (gnomAD); In silico analysis indicates that this missense variant does not alter protein structure/function; Has not been previously published as pathogenic or benign to our knowledge

Ambry Genetics
Classification: Uncertain significance for Hereditary cancer-predisposing syndrome. Last evaluated: 2019-12-17. Review status: criteria provided, single submitter. Criteria: Ambry Variant Classification Scheme 2023. Collection method: clinical testing. Allele origin: germline.
Comment: The p.V156L variant (also known as c.466G>C), located in coding exon 4 of the BRIP1 gene, results from a G to C substitution at nucleotide position 466. The valine at codon 156 is replaced by leucine, an amino acid with highly similar properties. This amino acid position is well conserved in available vertebrate species. In addition, this alteration is predicted to be tolerated by in silico analysis. Since supporting evidence is limited at this time, the clinical significance of this alteration remains unclear.